The following is an entry in ClinVar:

ClinVar aggregate classification (germline): Uncertain significance (1 of 4 stars; one submission).

Allele frequency attached by ClinVar (database versions not stated): ExAC 0.00001; ESP Exome Variant Server 0.00008.

Submission:

Labcorp Genetics (formerly Invitae), Labcorp
Classification: Uncertain significance. Last evaluated: 2023-08-07. Review status: criteria provided, single submitter. Criteria: Invitae Variant Classification Sherloc (09022015). Collection method: clinical testing. Allele origin: germline.
Comment: This sequence change replaces asparagine, which is neutral and polar, with isoleucine, which is neutral and non-polar, at codon 678 of the NEDD4L protein (p.Asn678Ile). This variant is present in population databases (rs377143286, gnomAD 0.007%). This variant has not been reported in the literature in individuals affected with NEDD4L-related conditions. Advanced modeling of protein sequence and biophysical properties (such as structural, functional, and spatial information, amino acid conservation, physicochemical variation, residue mobility, and thermodynamic stability) performed at Invitae indicates that this missense variant is not expected to disrupt NEDD4L protein function. In summary, the available evidence is currently insufficient to determine the role of this variant in disease. Therefore, it has been classified as a Variant of Uncertain Significance.

NM_001144967.3(NEDD4L):c.2093A>T (p.Asn698Ile)

Gene: NEDD4L (NEDD4 like E3 ubiquitin protein ligase; plus strand). Cytogenetic location: 18q21.31.
Variant type: single nucleotide variant.
Coding change: c.2093A>T on transcript NM_001144967.3 (MANE Select); coding-DNA position 2093, A replaced by T.
Protein change: p.Asn698Ile; replaces asparagine 698 with isoleucine.
Molecular consequence: missense variant.
Genome position (GRCh38, 1-based): chr18:58,367,775, A>T. VCF-style: chr18-58367775-A-T. GRCh37 (hg19) VCF-style: chr18-56035007-A-T.
Other names: c.1730A>T, p.Asn577Ile (NM_001144964.1, NM_001144965.2, NM_001144966.3); c.2069A>T, p.Asn690Ile (NM_001144968.2); c.2009A>T, p.Asn670Ile (NM_001144969.2); c.1670A>T, p.Asn557Ile (NM_001144970.3, NM_001144971.2); c.1901A>T, p.Asn634Ile (NM_001243960.2); c.2033A>T, p.Asn678Ile (NM_015277.6); short protein forms N577I, N634I, N698I, N557I, N670I, N678I, N690I.
Identifiers: ClinVar variation 2750932 (VCV002750932.3), dbSNP rs377143286, ClinGen allele CA8975877.
Genomic context (GRCh38, chr18:58,367,775, plus strand): 5'-ATTGGGCTTTTCTTCTCTTTCTCCTCAAAAGGGACAACTACACCCTTCAGATCAACCCTA[A>T]TTCAGGCCTCTGTAATGAGGATCATTTGTCCTACTTCACTTTTATTGGAAGAGTTGCTGG-3'
Protein context (NP_001138439.1, residues 688-708): TDNYTLQINP[Asn698Ile]SGLCNEDHLS